The following is an entry in ClinVar:

ClinVar aggregate classification (germline): Uncertain significance (1 of 4 stars; one submission).

Allele frequency attached by ClinVar (database versions not stated): gnomAD exomes below 0.00001 and 0.00001; TOPMed 0.00002; gnomAD 0.00003.
gnomAD v4.1: 8 of 1,614,050 alleles (0.0005%); highest among the groups gnomAD compares: African/African-American, 0.0093%; no homozygotes.

Submission:

Labcorp Genetics (formerly Invitae), Labcorp
Classification: Uncertain significance. Last evaluated: 2022-07-05. Review status: criteria provided, single submitter. Criteria: Invitae Variant Classification Sherloc (09022015). Collection method: clinical testing. Allele origin: germline.
Comment: In summary, the available evidence is currently insufficient to determine the role of this variant in disease. Therefore, it has been classified as a Variant of Uncertain Significance. Algorithms developed to predict the effect of missense changes on protein structure and function (SIFT, PolyPhen-2, Align-GVGD) all suggest that this variant is likely to be tolerated. ClinVar contains an entry for this variant (Variation ID: 1468643). This variant has not been reported in the literature in individuals affected with RTTN-related conditions. This variant is present in population databases (no rsID available, gnomAD 0.007%). This sequence change replaces leucine, which is neutral and non-polar, with proline, which is neutral and non-polar, at codon 1234 of the RTTN protein (p.Leu1234Pro).

NM_173630.4(RTTN):c.3701T>C (p.Leu1234Pro)

Gene: RTTN (rotatin; minus strand). Cytogenetic location: 18q22.2.
Variant type: single nucleotide variant.
Coding change: c.3701T>C on transcript NM_173630.4 (MANE Select); coding-DNA position 3701, T replaced by C.
Protein change: p.Leu1234Pro; replaces leucine 1234 with proline.
Molecular consequence: missense variant.
Genome position (GRCh38, 1-based): chr18:70,109,700, A>G on the plus strand (T>C on the coding strand, the complement: RTTN is on the minus strand). VCF-style: chr18-70109700-A-G. GRCh37 (hg19) VCF-style: chr18-67776936-A-G.
Other names: c.965T>C, p.Leu322Pro (NM_001318520.2); short protein forms L1234P, L322P.
Identifiers: ClinVar variation 1468643 (VCV001468643.6), dbSNP rs1017327751, ClinGen allele CA301948421.
Genomic context (GRCh38, chr18:70,109,700, plus strand): 5'-GCATCCGTCACTTTCAGACACTGGAGCAGTTTCAGAGCCAGCTGCGTTTGAAAAACGTAA[A>G]GAAGTTCCGAGCATTTCCTATGTATGCAAAAGAGGGAAAATCAACCACCAAGAAAGTATA-3'
Protein context (NP_775901.3, residues 1224-1244): EVTDRKCSEL[Leu1234Pro]YVFQTQLALK